The following is an entry in ClinVar:

ClinVar aggregate classification (germline): Uncertain significance (1 of 4 stars; one submission).

Conditions:
Intellectual developmental disorder, X-linked, syndromic, with pigmentary mosaicism and coarse facies. Identifiers: MedGen C5561930, MONDO:0859080, OMIM 301066.

gnomAD v4.1: 22 of 1,203,931 alleles (0.0018%); highest among the groups gnomAD compares: East Asian, 0.003%; no homozygotes.

Submission:

Neuberg Centre For Genomic Medicine, NCGM
Classification: Uncertain significance for Intellectual developmental disorder, X-linked, syndromic, with pigmentary mosaicism and coarse facies. Last evaluated: 2023-05-20. Review status: criteria provided, single submitter. Criteria: ACMG Guidelines, 2015. Collection method: clinical testing. Allele origin: germline. Inheritance: X-linked inheritance. Affected: yes.
Comment: The observed missense c.659C>T(p.Pro220Leu) variant in TFE3 gene has not been reported previously as a pathogenic variant nor a benign variant, to our knowledge. The p.Pro220Leu variant has been reported with allele frequency of 0.001% in gnomAD Exomes. This variant has not been submitted to the ClinVar database. Multiple lines of computational evidences (Polyphen - Probably damaging, SIFT - Damaging and MutationTaster - Disease causing) predict a damaging effect on protein structure and function for this variant. The reference amino acid at this position on TFE3 gene is predicted as conserved by GERP++ and PhyloP across 100 vertebrates. The amino acid Pro at position 220 is changed to a Leu changing protein sequence and it might alter its composition and physico-chemical properties. For these reasons, this variant has been classified as a Variant of Uncertain Significance (VUS).

NM_006521.6(TFE3):c.659C>T (p.Pro220Leu)

Gene: TFE3 (transcription factor binding to IGHM enhancer 3; minus strand). Cytogenetic location: Xp11.23.
Variant type: single nucleotide variant.
Coding change: c.659C>T on transcript NM_006521.6 (MANE Select); coding-DNA position 659, C replaced by T.
Protein change: p.Pro220Leu; replaces proline 220 with leucine.
Molecular consequence: missense variant.
Genome position (GRCh38, 1-based): chrX:49,038,318, G>A on the plus strand (C>T on the coding strand, the complement: TFE3 is on the minus strand). VCF-style: chrX-49038318-G-A. GRCh37 (hg19) VCF-style: chrX-48895843-G-A.
Other names: c.344C>T, p.Pro115Leu (NM_001282142.2); short protein forms P115L, P220L.
Identifiers: ClinVar variation 3362341 (VCV003362341.3).